The following is an entry in ClinVar:

NM_003970.4(MYOM2):c.1993G>A (p.Gly665Arg)

Gene: MYOM2 (myomesin 2; plus strand). Cytogenetic location: 8p23.3.
Variant type: single nucleotide variant.
Coding change: c.1993G>A on transcript NM_003970.4 (MANE Select); coding-DNA position 1993, G replaced by A.
Protein change: p.Gly665Arg; replaces glycine 665 with arginine.
Molecular consequence: missense variant.
Genome position (GRCh38, 1-based): chr8:2,092,510, G>A. VCF-style: chr8-2092510-G-A. GRCh37 (hg19) VCF-style: chr8-2040338-G-A.
Other names: short protein forms G665R.
Identifiers: ClinVar variation 3044658 (VCV003044658.2), dbSNP rs61732775, ClinGen allele CA170456051.

ClinVar aggregate classification (germline): Benign (0 of 4 stars; one submission).

Conditions:
MYOM2-related disorder. Also called: MYOM2-related condition.

Allele frequency attached by ClinVar (database versions not stated): ExAC 0.00251; 1000 Genomes Project 30x 0.00656; 1000 Genomes Project 0.00659; gnomAD 0.00731; TOPMed 0.00883; ESP Exome Variant Server 0.00915.
gnomAD v4.1: 2,260 of 1,613,932 alleles (0.14%); highest among the groups gnomAD compares: African/African-American, 2.6%; 33 homozygotes.

Submission:

PreventionGenetics, part of Exact Sciences
Classification: Benign for MYOM2-related condition. Last evaluated: 2019-02-20. Review status: no assertion criteria provided. Collection method: clinical testing. Allele origin: germline.
Comment: This variant is classified as benign based on ACMG/AMP sequence variant interpretation guidelines (Richards et al. 2015 PMID: 25741868, with internal and published modifications).